The following is an entry in ClinVar:

ClinVar aggregate classification (germline): Conflicting classifications of pathogenicity. Review status: criteria provided, conflicting classifications (1 of 4 stars). 7 submissions from 7 submitters: Likely pathogenic (2); Uncertain significance (5). Last evaluated 2024-12-15.

Conditions:
Muscular dystrophy-dystroglycanopathy (congenital with brain and eye anomalies), type A2. Also called: WALKER-WARBURG SYNDROME OR MUSCLE-EYE-BRAIN DISEASE, POMT2-RELATED; MUSCULAR DYSTROPHY-DYSTROGLYCANOPATHY (CONGENITAL WITH BRAIN AND EYE ANOMALIES), TYPE A, 2. Identifiers: Orphanet 588, Orphanet 899, MedGen C3150411, MONDO:0013154, OMIM 613150.
Muscular dystrophy-dystroglycanopathy (congenital with impaired intellectual development), type B, 2. Also called: MUSCULAR DYSTROPHY, CONGENITAL, POMT2-RELATED; Muscular dystrophy-dystroglycanopathy (congenital with intellectual disability), type B2. Identifiers: MedGen C3150416, MONDO:0013160, OMIM 613156.
Autosomal recessive limb-girdle muscular dystrophy type 2N. Also called: MUSCULAR DYSTROPHY-DYSTROGLYCANOPATHY, LIMB-GIRDLE, POMT2-RELATED; Muscular dystrophy-dystroglycanopathy (limb-girdle), type C, 2. Identifiers: Orphanet 206559, MedGen C3150418, MONDO:0013162, OMIM 613158.

Allele frequency attached by ClinVar (database versions not stated): TOPMed below 0.00001; gnomAD exomes 0.00002 and 0.00003; ExAC 0.00003.
gnomAD v4.1: 45 of 1,613,824 alleles (0.0028%); highest among the groups gnomAD compares: Non-Finnish European, 0.0038%; no homozygotes.

Submissions (7):

Labcorp Genetics (formerly Invitae), Labcorp
Classification: Uncertain significance for Muscular dystrophy-dystroglycanopathy (congenital with impaired intellectual development), type B, 2; Muscular dystrophy-dystroglycanopathy (congenital with brain and eye anomalies), type A2; Autosomal recessive limb-girdle muscular dystrophy type 2N. Last evaluated: 2024-12-15. Review status: criteria provided, single submitter. Criteria: Invitae Variant Classification Sherloc (09022015). Collection method: clinical testing. Allele origin: germline.
Comment: This sequence change falls in intron 8 of the POMT2 gene. It does not directly change the encoded amino acid sequence of the POMT2 protein. It affects a nucleotide within the consensus splice site. This variant is present in population databases (rs587780422, gnomAD 0.004%). This variant has been observed in individual(s) with muscular dystrophy-dystroglycanopathy (PMID: 18752264). ClinVar contains an entry for this variant (Variation ID: 130015). Variants that disrupt the consensus splice site are a relatively common cause of aberrant splicing (PMID: 17576681, 9536098). Algorithms developed to predict the effect of sequence changes on RNA splicing suggest that this variant may disrupt the consensus splice site. In summary, the available evidence is currently insufficient to determine the role of this variant in disease. Therefore, it has been classified as a Variant of Uncertain Significance.

Baylor Genetics
Classification: Likely pathogenic for Muscular dystrophy-dystroglycanopathy (congenital with brain and eye anomalies), type A2. Last evaluated: 2023-11-29. Review status: criteria provided, single submitter. Criteria: ACMG Guidelines, 2015. Collection method: clinical testing. Allele origin: unknown.

Women's Health and Genetics/Laboratory Corporation of America, LabCorp
Classification: Uncertain significance. Last evaluated: 2023-03-23. Review status: criteria provided, single submitter. Criteria: LabCorp Variant Classification Summary - May 2015. Collection method: clinical testing. Allele origin: germline.
Comment: Variant summary: POMT2 c.1006+5G>A alters a conserved nucleotide located close to a canonical splice site and therefore could affect mRNA splicing, leading to a significantly altered protein sequence. One computational tool predicts a significant impact on normal splicing. However, these predictions have yet to be confirmed by functional studies. The variant allele was found at a frequency of 2e-05 in 250594 control chromosomes. The available data on variant occurrences in the general population are insufficient to allow any conclusion about variant significance. c.1006+5G>A has been reported in the literature in individuals affected with Walker-Warburg syndrome. These report does not provide unequivocal conclusions about association of the variant with Limb-Girdle Muscular Dystrophy, Autosomal Recessive. To our knowledge, no experimental evidence demonstrating an impact on protein function has been reported. Three clinical diagnostic laboratories have submitted clinical-significance assessments for this variant to ClinVar after 2014 without evidence for independent evaluation. All laboratories classified the variant as uncertain significance. Based on the evidence outlined above, the variant was classified as uncertain significance.

New York Genome Center
Classification: Uncertain significance for Autosomal recessive limb-girdle muscular dystrophy type 2N; Muscular dystrophy-dystroglycanopathy (congenital with brain and eye anomalies), type A2; Muscular dystrophy-dystroglycanopathy (congenital with impaired intellectual development), type B, 2. Last evaluated: 2022-12-13. Review status: criteria provided, single submitter. Criteria: NYGC Assertion Criteria 2020. Collection method: clinical testing. Allele origin: inherited. Affected: yes. Observed: 1 compound heterozygote. Study: PrenatalSEQ.
Comment: The inherited c.1006+5G>A variant identified in the POMT2 gene is a non-canonical splice region variant at the +5 position within intron 8/20. The c.1006+5G>A variant is observed in 9 alleles (~0.0012% minor allele frequency with 0 homozygotes) in population databases (gnomAD v2.1.1 and v3.1.2, TOPMed Freeze 8, All of Us), suggesting it is not a common benign variant in the populations represented in those databases. In silico splicing algorithms unanimously predict this variant to probably affect splicing (spliceAI=0.98, TraP=0.936, >99.9% score-percentile, VarSEAK class 5). The c.1006+5G>A variant is reported in ClinVar as both a Variant of Uncertain Significance (n=3) and as Likely Pathogenic (n=1) (VarID:130015). This variant has been reported in a single individual in the literature with suspected Walker Warburg Syndrome, in trans with a synonymous variant also hypothesized to alter splicing, however functional studies were not performed for either variant in that individual, leaving uncertainty regarding the clinical relevance of those variants [PMID:18752264]. Given the available evidence, the inherited c.1006+5G>A variant identified in the POMT2 gene is currently classified as a Variant of Uncertain Significance.

GeneDx
Classification: Uncertain significance. Last evaluated: 2017-10-18. Review status: criteria provided, single submitter. Criteria: GeneDx Variant Classification (06012015). Collection method: clinical testing. Allele origin: germline. Affected: yes.
Comment: The c.1006+5 G>A variant has been reported previously in an individual with Walker-Warburg syndrome who had a second POMT2 variant identified; however, parental studies were not performed (Manzini et al., 2008). The c.1006+5 G>A variant is observed in 5/111,398 (0.004%) alleles from individuals of European background (Lek et al., 2016). The c.1006+5 G>A variant is predicted to destroy the natural splice donor site in intron 8. However, in the absence of RNA/functional studies, the actual effect of this sequence change in this individual is unknown. Based on the currently available information, it is unclear whether this variant is a pathogenic variant or a rare benign variant.

Eurofins Ntd Llc (ga)
Classification: Uncertain significance. Last evaluated: 2016-03-29. Review status: criteria provided, single submitter. Criteria: EGL Classification Definitions 2015. Collection method: clinical testing. Allele origin: germline. Observed: 1 variant allele, 1 heterozygote.

Genetic Services Laboratory, University of Chicago
Classification: Likely pathogenic for Muscular dystrophy-dystroglycanopathy (limb-girdle), type C, 2. Last evaluated: 2014-01-17. Review status: criteria provided, single submitter. Criteria: ACMG Guidelines, 2007. Collection method: clinical testing. Allele origin: germline. Inheritance: Autosomal recessive inheritance. Affected: yes.

Literature cited by the submitters: PubMed 18752264 (cited by Labcorp Genetics (formerly Invitae), Labcorp and Women's Health and Genetics/Laboratory Corporation of America, LabCorp); PubMed 17576681 (cited by Labcorp Genetics (formerly Invitae), Labcorp); PubMed 9536098 (cited by Labcorp Genetics (formerly Invitae), Labcorp).

NM_013382.7(POMT2):c.1006+5G>A

Gene: POMT2 (protein O-mannosyltransferase 2; minus strand). Cytogenetic location: 14q24.3.
Variant type: single nucleotide variant.
Coding change: c.1006+5G>A on transcript NM_013382.7 (MANE Select); 5 bases into the intron after coding-DNA position 1006, G replaced by A.
Molecular consequence: intron variant.
Genome position (GRCh38, 1-based): chr14:77,298,684, C>T on the plus strand (G>A on the coding strand, the complement: POMT2 is on the minus strand). VCF-style: chr14-77298684-C-T. GRCh37 (hg19) VCF-style: chr14-77765027-C-T.
Identifiers: ClinVar variation 130015 (VCV000130015.21), dbSNP rs587780422, ClinGen allele CA269780.